The following is an entry in ClinVar:

NM_006269.2(RP1):c.2953_2956del (p.Asn985fs)

Gene: RP1 (RP1 axonemal microtubule associated; plus strand). Cytogenetic location: 8q12.1.
Variant type: Deletion.
Coding change: c.2953_2956del on transcript NM_006269.2 (MANE Select); coding-DNA positions 2953 to 2956, 4 bases deleted (AATC; older notation c.2953_2956delAATC).
Protein change: p.Asn985fs; shifts the reading frame from asparagine 985.
Molecular consequence: frameshift variant. On other transcripts: intron variant (1).
Genome position (GRCh38, 1-based): chr8:54,626,835-54,626,838, AATC deleted. VCF-style (leftmost placement, unchanged base first): chr8-54626834-TAATC-T. GRCh37 (hg19) VCF-style: chr8-55539394-TAATC-T.
Other names: c.787+4547_787+4550del (NM_001375654.1); short protein forms N985fs.
Identifiers: ClinVar variation 841165 (VCV000841165.10), dbSNP rs1806069993, ClinGen allele CA916082991.

ClinVar aggregate classification (germline): Pathogenic. Review status: criteria provided, multiple submitters, no conflicts (2 of 4 stars). 2 submissions from 2 submitters: Pathogenic (2). Last evaluated 2024-02-18.

Conditions:
RP1-related disorder. Also called: RP1-related condition.

Allele frequency attached by ClinVar (database versions not stated): gnomAD exomes below 0.00001.

Submissions (2):

Labcorp Genetics (formerly Invitae), Labcorp
Classification: Pathogenic. Last evaluated: 2024-02-18. Review status: criteria provided, single submitter. Criteria: Invitae Variant Classification Sherloc (09022015). Collection method: clinical testing. Allele origin: germline.
Comment: This sequence change creates a premature translational stop signal (p.Asn985Tyrfs*27) in the RP1 gene. While this is not anticipated to result in nonsense mediated decay, it is expected to disrupt the last 1172 amino acid(s) of the RP1 protein. This variant is not present in population databases (gnomAD no frequency). This premature translational stop signal has been observed in individual(s) with autosomal recessive retinitis pigmentosa (Invitae). This variant has been reported in individual(s) with autosomal dominant retinitis pigmentosa (PMID: 36259723, 36460718; Invitae); however, the role of the variant in this condition is currently unclear. ClinVar contains an entry for this variant (Variation ID: 841165). This variant disrupts the C-terminus of the RP1 protein. Many variants that disrupt this region have been reported in individuals with either autosomal dominant or autosomal recessive retinitis pigmentosa (PMID: 11527933, 19933189, 29425069, 30027431, 33681214). Therefore, variants that disrupt this region are expected to be disease-causing. For these reasons, this variant has been classified as Pathogenic.

Blueprint Genetics
Classification: Pathogenic for RP1-related disorders. Last evaluated: 2020-01-27. Review status: criteria provided, single submitter. Criteria: ACMG Guidelines, 2015. Collection method: clinical testing. Allele origin: germline. Affected: yes. Observed: 5 variant alleles.

Literature cited by the submitters: PubMed 36259723 (cited by Labcorp Genetics (formerly Invitae), Labcorp); PubMed 36460718 (cited by Labcorp Genetics (formerly Invitae), Labcorp); PubMed 11527933 (cited by Labcorp Genetics (formerly Invitae), Labcorp); PubMed 19933189 (cited by Labcorp Genetics (formerly Invitae), Labcorp); PubMed 29425069 (cited by Labcorp Genetics (formerly Invitae), Labcorp); PubMed 30027431 (cited by Labcorp Genetics (formerly Invitae), Labcorp); PubMed 33681214 (cited by Labcorp Genetics (formerly Invitae), Labcorp).